The following is an entry in ClinVar:

NM_004408.4(DNM1):c.95C>T (p.Pro32Leu)

Genes: CIZ1 (CDKN1A interacting zinc finger protein 1; minus strand), DNM1 (dynamin 1; plus strand). Cytogenetic location: 9q34.11.
Variant type: single nucleotide variant.
Coding change: c.95C>T on transcript NM_004408.4 (MANE Select); coding-DNA position 95, C replaced by T.
Protein change: p.Pro32Leu; replaces proline 32 with leucine.
Molecular consequence: missense variant. On other transcripts: intron variant (2).
Genome position (GRCh38, 1-based): chr9:128,203,565, C>T. VCF-style: chr9-128203565-C-T. GRCh37 (hg19) VCF-style: chr9-130965844-C-T.
Other names: c.95C>T, p.Pro32Leu (NM_001005336.3, NM_001288737.2, NM_001288738.2 and 2 more transcripts); c.-6+621G>A (NM_001131015.2, NM_012127.3); short protein forms P32L.
Identifiers: ClinVar variation 1038491 (VCV001038491.10), dbSNP rs1833619327, ClinGen allele CA375006552.

ClinVar aggregate classification (germline): Uncertain significance. Review status: criteria provided, multiple submitters, no conflicts (2 of 4 stars). 2 submissions from 2 submitters: Uncertain significance (2). Last evaluated 2023-08-21.

Conditions:
Developmental and epileptic encephalopathy, 31A. Also called: Epileptic encephalopathy, early infantile, 31; Developmental and epileptic encephalopathy, 31. Identifiers: Orphanet 2382, MedGen C4225357, MONDO:0014598, OMIM 616346.

Allele frequency attached by ClinVar (database versions not stated): gnomAD exomes below 0.00001.
gnomAD v4.1: 1 of 1,551,314 alleles (0.000064%); highest among the groups gnomAD compares: Non-Finnish European, 0.000087%; no homozygotes.

Submissions (2):

Blueprint Genetics
Classification: Uncertain significance. Last evaluated: 2023-08-21. Review status: criteria provided, single submitter. Criteria: ACMG Guidelines, 2015. Collection method: clinical testing. Allele origin: germline.

Labcorp Genetics (formerly Invitae), Labcorp
Classification: Uncertain significance for Developmental and epileptic encephalopathy, 31A. Last evaluated: 2022-01-06. Review status: criteria provided, single submitter. Criteria: Invitae Variant Classification Sherloc (09022015). Collection method: clinical testing. Allele origin: germline.
Comment: In summary, the available evidence is currently insufficient to determine the role of this variant in disease. Therefore, it has been classified as a Variant of Uncertain Significance. Advanced modeling of protein sequence and biophysical properties (such as structural, functional, and spatial information, amino acid conservation, physicochemical variation, residue mobility, and thermodynamic stability) performed at Invitae indicates that this missense variant is expected to disrupt DNM1 protein function. ClinVar contains an entry for this variant (Variation ID: 1038491). This variant has not been reported in the literature in individuals affected with DNM1-related conditions. This variant is not present in population databases (gnomAD no frequency). This sequence change replaces proline, which is neutral and non-polar, with leucine, which is neutral and non-polar, at codon 32 of the DNM1 protein (p.Pro32Leu).